The following is an entry in ClinVar:

NM_001397406.1(FDX2):c.403G>A (p.Asp135Asn)

Genes: FDX2 (ferredoxin 2; minus strand), FDX2-ZGLP1 (FDX2-ZGLP1 readthrough; minus strand). Cytogenetic location: 19p13.2.
Variant type: single nucleotide variant.
Coding change: c.403G>A on transcript NM_001397406.1 (MANE Select); coding-DNA position 403, G replaced by A.
Protein change: p.Asp135Asn; replaces aspartic acid 135 with asparagine.
Molecular consequence: missense variant.
Genome position (GRCh38, 1-based): chr19:10,310,635, C>T on the plus strand (G>A on the coding strand, the complement: FDX2 is on the minus strand). VCF-style: chr19-10310635-C-T. GRCh37 (hg19) VCF-style: chr19-10421311-C-T.
Other names: c.412G>A, p.Asp138Asn (NM_001031734.4); short protein forms D138N, D135N.
Identifiers: ClinVar variation 1922881 (VCV001922881.2), dbSNP rs555333925, ClinGen allele CA9191202.

ClinVar aggregate classification (germline): Uncertain significance (1 of 4 stars; one submission).

Allele frequency attached by ClinVar (database versions not stated): ExAC 0.00001; gnomAD exomes 0.00001; gnomAD 0.00006; 1000 Genomes Project 30x 0.00016; 1000 Genomes Project 0.00020.
gnomAD v4.1: 22 of 1,556,420 alleles (0.0014%); highest among the groups gnomAD compares: Admixed American, 0.0052%; no homozygotes.

Submission:

Labcorp Genetics (formerly Invitae), Labcorp
Classification: Uncertain significance. Last evaluated: 2022-08-19. Review status: criteria provided, single submitter. Criteria: Invitae Variant Classification Sherloc (09022015). Collection method: clinical testing. Allele origin: germline.
Comment: This sequence change replaces aspartic acid, which is acidic and polar, with asparagine, which is neutral and polar, at codon 138 of the FDX2 protein (p.Asp138Asn). This variant is present in population databases (rs555333925, gnomAD 0.009%). This variant has not been reported in the literature in individuals affected with FDX2-related conditions. Algorithms developed to predict the effect of missense changes on protein structure and function are either unavailable or do not agree on the potential impact of this missense change (SIFT: "Deleterious"; PolyPhen-2: "Not Available"; Align-GVGD: "Class C0"). In summary, the available evidence is currently insufficient to determine the role of this variant in disease. Therefore, it has been classified as a Variant of Uncertain Significance.